The following is an entry in ClinVar:

ClinVar aggregate classification (germline): Benign/Likely benign. Review status: criteria provided, multiple submitters, no conflicts (2 of 4 stars). 3 submissions from 3 submitters: Benign (1); Likely benign (2). Last evaluated 2024-10-08.

Conditions:
Retinitis pigmentosa (RP). Identifiers: Orphanet 791, MedGen C0035334, MeSH D012174, MONDO:0019200, OMIM 268000. Inheritance: Autosomal dominant, autosomal recessive and X linked inheritance.

Allele frequency attached by ClinVar (database versions not stated): TOPMed 0.00006; ESP Exome Variant Server 0.00008; 1000 Genomes Project 30x 0.00062; gnomAD exomes 0.00076 and 0.00185; 1000 Genomes Project 0.00080; ExAC 0.00161; gnomAD 0.00169 and 0.00178.

Submissions (3):

Blueprint Genetics
Classification: Likely benign. Last evaluated: 2024-10-08. Review status: criteria provided, single submitter. Criteria: ACMG Guidelines, 2015. Collection method: clinical testing. Allele origin: germline.

Labcorp Genetics (formerly Invitae), Labcorp
Classification: Benign. Last evaluated: 2024-10-04. Review status: criteria provided, single submitter. Criteria: Invitae Variant Classification Sherloc (09022015). Collection method: clinical testing. Allele origin: germline.

Illumina Laboratory Services, Illumina
Classification: Likely benign for Retinitis pigmentosa. Last evaluated: 2018-01-13. Review status: criteria provided, single submitter. Criteria: ICSL Variant Classification Criteria 13 December 2019. Collection method: clinical testing. Allele origin: germline.
Comment: This variant was observed in the ICSL laboratory as part of a predisposition screen in an ostensibly healthy population. It had not been previously curated by ICSL or reported in the Human Gene Mutation Database (HGMD: prior to June 1st, 2018), and was therefore a candidate for classification through an automated scoring system. Utilizing variant allele frequency, disease prevalence and penetrance estimates, and inheritance mode, an automated score was calculated to assess if this variant is too frequent to cause the disease. Based on the score and internal cut-off values, a variant classified as likely benign is not then subjected to further curation. The score for this variant resulted in a classification of likely benign for this disease.

NM_005802.5(TOPORS):c.2567A>G (p.Lys856Arg)

Gene: TOPORS (TOP1 binding arginine/serine rich protein, E3 ubiquitin ligase; minus strand). Cytogenetic location: 9p21.1.
Variant type: single nucleotide variant.
Coding change: c.2567A>G on transcript NM_005802.5 (MANE Select); coding-DNA position 2567, A replaced by G.
Protein change: p.Lys856Arg; replaces lysine 856 with arginine.
Molecular consequence: missense variant.
Genome position (GRCh38, 1-based): chr9:32,541,958, T>C on the plus strand (A>G on the coding strand, the complement: TOPORS is on the minus strand). VCF-style: chr9-32541958-T-C. GRCh37 (hg19) VCF-style: chr9-32541956-T-C.
Other names: c.2372A>G, p.Lys791Arg (NM_001195622.2); short protein forms K856R, K791R.
Identifiers: ClinVar variation 366562 (VCV000366562.13), dbSNP rs181426035, ClinGen allele CA5020349.
Genomic context (GRCh38, chr9:32,541,958, plus strand): 5'-GTAGCTTTTCCTTCATAAACTATCTCTACACTTAGGCTCCGGGTCTTCCTTTTTCTCCTT[T>C]TGTGTTTTGTCTCTCTGTCTGATGATCGGCTGTCTGAAAAGGTATCACTCTCATTTTTGT-3'
Protein context (NP_005793.2, residues 846-866): SRSSDRETKH[Lys856Arg]RRKRKTRSLS